The following is an entry in ClinVar:

NM_014975.3(MAST1):c.3263+5G>C

Gene: MAST1 (microtubule associated serine/threonine kinase 1; plus strand). Cytogenetic location: 19p13.13.
Variant type: single nucleotide variant.
Coding change: c.3263+5G>C on transcript NM_014975.3 (MANE Select); 5 bases into the intron after coding-DNA position 3263, G replaced by C.
Molecular consequence: intron variant.
Genome position (GRCh38, 1-based): chr19:12,871,177, G>C. VCF-style: chr19-12871177-G-C. GRCh37 (hg19) VCF-style: chr19-12981991-G-C.
Identifiers: ClinVar variation 3648905 (VCV003648905.2).
Genomic context (GRCh38, chr19:12,871,177, plus strand): 5'-AAGGCTAAAATGGCTCGGAGGAACAAGCGACCCTCCGCCAAGGAGGGCCAGGAGAGGTGG[G>C]CACAGCCGTAAACAGCCTGGTCTTTGAGCAGTGGGTGGAACTTAGGCGGGAGGGGCACAG-3'

ClinVar aggregate classification (germline): Uncertain significance (1 of 4 stars; one submission).

gnomAD v4.1: 1 of 1,614,012 alleles (0.000062%); highest among the groups gnomAD compares: Non-Finnish European, 0.000085%; no homozygotes.

Submission:

Labcorp Genetics (formerly Invitae), Labcorp
Classification: Uncertain significance. Last evaluated: 2024-04-05. Review status: criteria provided, single submitter. Criteria: Invitae Variant Classification Sherloc (09022015). Collection method: clinical testing. Allele origin: germline.
Comment: This sequence change falls in intron 24 of the MAST1 gene. It does not directly change the encoded amino acid sequence of the MAST1 protein. It affects a nucleotide within the consensus splice site. This variant is not present in population databases (gnomAD no frequency). This variant has not been reported in the literature in individuals affected with MAST1-related conditions. Variants that disrupt the consensus splice site are a relatively common cause of aberrant splicing (PMID: 17576681, 9536098). Algorithms developed to predict the effect of sequence changes on RNA splicing suggest that this variant may disrupt the consensus splice site. In summary, the available evidence is currently insufficient to determine the role of this variant in disease. Therefore, it has been classified as a Variant of Uncertain Significance.

Literature cited by the submitters: PubMed 17576681; PubMed 9536098.